The following is an entry in ClinVar:

NM_001164277.2(SLC37A4):c.381+1G>T

Gene: SLC37A4 (solute carrier family 37 member 4; minus strand). Cytogenetic location: 11q23.3.
Variant type: single nucleotide variant.
Coding change: c.381+1G>T on transcript NM_001164277.2 (MANE Select); the canonical splice donor site of the intron after coding-DNA position 381, G replaced by T.
Molecular consequence: splice donor variant.
Genome position (GRCh38, 1-based): chr11:119,028,193, C>A on the plus strand (G>T on the coding strand, the complement: SLC37A4 is on the minus strand). VCF-style: chr11-119028193-C-A. GRCh37 (hg19) VCF-style: chr11-118898903-C-A.
Other names: c.162+1G>T (NM_001164279.2); c.381+1G>T (NM_001467.6, NM_001164278.2, NM_001164280.2).
Identifiers: ClinVar variation 656028 (VCV000656028.13), dbSNP rs786204637, ClinGen allele CA382904410.

ClinVar aggregate classification (germline): Pathogenic. Review status: criteria provided, multiple submitters, no conflicts (2 of 4 stars). 4 submissions from 4 submitters: Pathogenic (4). Last evaluated 2025-09-13.

Conditions:
Glucose-6-phosphate transport defect (GSD1B). Also called: Glycogen Storage Disease Type Ib; GSD Ib. Identifiers: Orphanet 364, Orphanet 79259, MedGen C0268146, MONDO:0009288, OMIM 232220.
SLC37A4-related disorder. Also called: SLC37A4-related condition.

Allele frequency attached by ClinVar (database versions not stated): gnomAD exomes 0.00001.

Submissions (4):

Labcorp Genetics (formerly Invitae), Labcorp
Classification: Pathogenic for Glucose-6-phosphate transport defect. Last evaluated: 2025-09-13. Review status: criteria provided, single submitter. Criteria: Invitae Variant Classification Sherloc (09022015). Collection method: clinical testing. Allele origin: germline.
Comment: This sequence change affects a donor splice site in intron 4 of the SLC37A4 gene. It is expected to disrupt RNA splicing. Variants that disrupt the donor or acceptor splice site typically lead to a loss of protein function (PMID: 16199547), and loss-of-function variants in SLC37A4 are known to be pathogenic (PMID: 9758626, 10940311). This variant is not present in population databases (gnomAD no frequency). Disruption of this splice site has been observed in individuals with glycogen storage disease (PMID: 10482962). This variant is also known as 550+1G>T. ClinVar contains an entry for this variant (Variation ID: 656028). Algorithms developed to predict the effect of sequence changes on RNA splicing suggest that this variant may disrupt the consensus splice site. For these reasons, this variant has been classified as Pathogenic.

Natera, Inc.
Classification: Pathogenic for Glycogen storage disease type Ib. Last evaluated: 2025-05-22. Review status: criteria provided, single submitter. Criteria: Natera Variant Classification Schema (03/2026). Collection method: clinical testing. Allele origin: germline.
Comment: The c.381+1G>T variant in SLC37A4 is a canonical splice donor site variant predicted to affect pre-mRNA splicing, which may result in an abnormal transcript and altered protein product. This variant is expected to result in nonsense mediated decay, truncation, or a dysfunctional protein product. This variant is rare in the general population with a frequency below the threshold expected for the associated phenotype(s). This variant has been observed in one or more individuals affected with the associated recessive disease, as either homozygous or compound heterozygous with a second variant (PMID: 24565827). Functional studies show that this variant may disrupt protein function (PMID: 10940311). Another variant at this same site results in an alteration predicted to cause a similar molecular effect has been observed in individual(s) with the associated phenotype. Given the available evidence, this variant is classified as Pathogenic.

Baylor Genetics
Classification: Pathogenic for Glucose-6-phosphate transport defect. Last evaluated: 2024-03-05. Review status: criteria provided, single submitter. Criteria: ACMG Guidelines, 2015. Collection method: clinical testing. Allele origin: unknown.

Blueprint Genetics
Classification: Pathogenic for SLC37A4-related disorders. Last evaluated: 2023-06-02. Review status: criteria provided, single submitter. Criteria: ACMG Guidelines, 2015. Collection method: clinical testing. Allele origin: germline. Affected: yes. Observed: 2 variant alleles.

Literature cited by the submitters: PubMed 16199547 (cited by Labcorp Genetics (formerly Invitae), Labcorp); PubMed 9758626 (cited by Labcorp Genetics (formerly Invitae), Labcorp); PubMed 10940311 (cited by Labcorp Genetics (formerly Invitae), Labcorp and Natera, Inc.); PubMed 10482962 (cited by Labcorp Genetics (formerly Invitae), Labcorp); PubMed 24565827 (cited by Natera, Inc.).